The following is an entry in ClinVar:

ClinVar aggregate classification (germline): Uncertain significance (1 of 4 stars; one submission).

Conditions:
Tall stature-scoliosis-macrodactyly of the great toes syndrome. Also called: Epiphyseal chondrodysplasia, miura type. Identifiers: Orphanet 329191, MedGen C4014690, MONDO:0014401, OMIM 615923.
Acromesomelic dysplasia 1, Maroteaux type (AMD1). Also called: ACROMESOMELIC DYSPLASIA 1; ST. HELENA DYSPLASIA. Identifiers: Orphanet 40, MedGen C1864356, MONDO:0011275, OMIM 602875.

Submission:

Labcorp Genetics (formerly Invitae), Labcorp
Classification: Uncertain significance for Tall stature-scoliosis-macrodactyly of the great toes syndrome; Acromesomelic dysplasia 1, Maroteaux type. Last evaluated: 2025-10-08. Review status: criteria provided, single submitter. Criteria: Invitae Variant Classification Sherloc (09022015). Collection method: clinical testing. Allele origin: germline.
Comment: This sequence change replaces histidine, which is basic and polar, with arginine, which is basic and polar, at codon 642 of the NPR2 protein (p.His642Arg). This variant is not present in population databases (gnomAD no frequency). This variant has not been reported in the literature in individuals affected with NPR2-related conditions. Invitae Evidence Modeling of protein sequence and biophysical properties (such as structural, functional, and spatial information, amino acid conservation, physicochemical variation, residue mobility, and thermodynamic stability) indicates that this missense variant is expected to disrupt NPR2 protein function with a positive predictive value of 80%. In summary, the available evidence is currently insufficient to determine the role of this variant in disease. Therefore, it has been classified as a Variant of Uncertain Significance.

NM_003995.4(NPR2):c.1925A>G (p.His642Arg)

Gene: NPR2 (natriuretic peptide receptor 2; plus strand). Cytogenetic location: 9p13.3.
Variant type: single nucleotide variant.
Coding change: c.1925A>G on transcript NM_003995.4 (MANE Select); coding-DNA position 1925, A replaced by G.
Protein change: p.His642Arg; replaces histidine 642 with arginine.
Molecular consequence: missense variant.
Genome position (GRCh38, 1-based): chr9:35,805,548, A>G. VCF-style: chr9-35805548-A-G. GRCh37 (hg19) VCF-style: chr9-35805545-A-G.
Other names: c.1934A>G, p.His645Arg (NM_001378923.1); short protein forms H642R, H645R.
Identifiers: ClinVar variation 4782743 (VCV004782743.1).